The following is an entry in ClinVar:

NM_194248.3(OTOF):c.3470G>A (p.Arg1157Gln)

Gene: OTOF (otoferlin; minus strand). Cytogenetic location: 2p23.3.
Variant type: single nucleotide variant.
Coding change: c.3470G>A on transcript NM_194248.3 (MANE Select); coding-DNA position 3470, G replaced by A.
Protein change: p.Arg1157Gln; replaces arginine 1157 with glutamine.
Molecular consequence: missense variant.
Genome position (GRCh38, 1-based): chr2:26,473,506, C>T on the plus strand (G>A on the coding strand, the complement: OTOF is on the minus strand). VCF-style: chr2-26473506-C-T. GRCh37 (hg19) VCF-style: chr2-26696374-C-T.
Other names: c.3470G>A, p.Arg1157Gln (NM_001287489.2); c.1229G>A, p.Arg410Gln (NM_004802.4, NM_194323.3); c.1400G>A, p.Arg467Gln (NM_194322.3); short protein forms R1157Q, R410Q, R467Q.
Identifiers: ClinVar variation 21845 (VCV000021845.56), dbSNP rs56054534, ClinGen allele CA142850.

ClinVar aggregate classification (germline): Conflicting classifications of pathogenicity. Review status: criteria provided, conflicting classifications (1 of 4 stars). 8 submissions from 8 submitters: Uncertain significance (1); Benign (5); Likely benign (1). 1 of the submissions does not count toward it. Last evaluated 2026-09-01.

Conditions:
Autosomal recessive nonsyndromic hearing loss 9. Also called: Deafness, autosomal recessive 9; AUDITORY NEUROPATHY, AUTOSOMAL RECESSIVE, 1, TEMPERATURE-SENSITIVE; NEUROSENSORY NONSYNDROMIC RECESSIVE DEAFNESS 9; OTOF-Related Hearing Loss. Identifiers: Orphanet 90636, MedGen C1832828, MONDO:0010986, OMIM 601071.

Allele frequency attached by ClinVar (database versions not stated): gnomAD 0.00845 and 0.00860; ESP Exome Variant Server 0.01099; 1000 Genomes Project 0.00459; gnomAD exomes 0.01292 and 0.00809; 1000 Genomes Project 30x 0.00453; ExAC 0.00806; TOPMed 0.00954.
gnomAD v4.1: 20,086 of 1,612,842 alleles (1.2%); highest among the groups gnomAD compares: Non-Finnish European, 1.5%; 146 homozygotes.

Submissions (9):

CeGaT Center for Human Genetics Tuebingen
Classification: Benign. Last evaluated: 2026-09-01. Review status: criteria provided, single submitter. Criteria: CeGaT Center For Human Genetics Tuebingen Variant Classification Criteria Version 2. Collection method: clinical testing. Allele origin: germline. Affected: yes. Observed: 20 variant alleles.
Comment: OTOF: BS1, BS2

Labcorp Genetics (formerly Invitae), Labcorp
Classification: Benign. Last evaluated: 2026-02-02. Review status: criteria provided, single submitter. Criteria: Invitae Variant Classification Sherloc (09022015). Collection method: clinical testing. Allele origin: germline.

Clinical Genetics Laboratory, Skane University Hospital Lund
Classification: Benign. Last evaluated: 2022-05-27. Review status: criteria provided, single submitter. Criteria: ACMG Guidelines, 2015. Collection method: clinical testing. Allele origin: germline. Affected: yes.

Women's Health and Genetics/Laboratory Corporation of America, LabCorp
Classification: Likely benign. Last evaluated: 2022-05-03. Review status: criteria provided, single submitter. Criteria: LabCorp Variant Classification Summary - May 2015. Collection method: clinical testing. Allele origin: germline.

GeneDx
Classification: Benign. Last evaluated: 2018-07-09. Review status: criteria provided, single submitter. Criteria: GeneDx Variant Classification Process June 2021. Collection method: clinical testing. Allele origin: germline. Affected: yes.
Comment: This variant is associated with the following publications: (PMID: 20230791, 16371502, 27766948)

Illumina Laboratory Services, Illumina
Classification: Uncertain significance for Autosomal recessive nonsyndromic hearing loss 9. Last evaluated: 2017-04-27. Review status: criteria provided, single submitter. Criteria: ICSL Variant Classification Criteria 13 December 2019. Collection method: clinical testing. Allele origin: germline.
Comment: This variant was observed as part of a predisposition screen in an ostensibly healthy population. A literature search was performed for the gene, cDNA change, and amino acid change (where applicable). Publications were found based on this search. However, the evidence from the literature, in combination with allele frequency data from public databases where available, was not sufficient to rule this variant in or out of causing disease. Therefore, this variant is classified as a variant of unknown significance.

Laboratory for Molecular Medicine, Mass General Brigham Personalized Medicine
Classification: Benign. Last evaluated: 2011-11-02. Review status: criteria provided, single submitter. Criteria: LMM Criteria. Collection method: clinical testing. Allele origin: germline. Observed: 37 variant alleles.
Comment: Arg1157Gln in exon 28 of OTOF: This variant is not expected to have clinical sig nificance because it has been identified in 0.7% (50/6794) of chromosomes from a broad population (dbSNP rs56054534). In addition, this variant has been reporte d in the literature and is not expected to have clinical significance due to an equal occurrence in probands and controls (Smith 2008, Varga 2006).

Dr. Peter K. Rogan Lab, Western University
No classification provided (evidence only). Condition: Ovarian serous cystadenocarcinoma. Review status: no classification provided. Collection method: in vitro. Allele origin: not applicable. Functional consequence: retained intron. Not counted in ClinVar's aggregate classification.

GeneReviews
No classification provided. Condition: Autosomal recessive nonsyndromic hearing loss 9. Review status: no classification provided. Collection method: literature only. Allele origin: unknown. Not counted in ClinVar's aggregate classification.

Literature cited by the submitters: PubMed 16371502 (cited by Illumina Laboratory Services, Illumina and Laboratory for Molecular Medicine, Mass General Brigham Personalized Medicine); PubMed 20230791 (cited by Illumina Laboratory Services, Illumina); PubMed 27766948 (cited by Illumina Laboratory Services, Illumina); PubMed 20301429 (cited by GeneReviews); NCBI Bookshelf NBK1251 (cited by GeneReviews).